The following is an entry in ClinVar:

ClinVar aggregate classification (germline): Benign/Likely benign. Review status: criteria provided, multiple submitters, no conflicts (2 of 4 stars). 9 submissions from 6 submitters: Benign (5); Likely benign (4). Last evaluated 2026-05-01.

Conditions:
Cardiovascular phenotype. Identifiers: MedGen CN230736.
Dilated cardiomyopathy 1G (CMD1G). Identifiers: Orphanet 154, MedGen C1858763, MONDO:0011400, OMIM 604145.
Autosomal recessive limb-girdle muscular dystrophy type 2J (LGMDR10). Also called: Limb-girdle muscular dystrophy, type 2J; MUSCULAR DYSTROPHY, LIMB-GIRDLE, AUTOSOMAL RECESSIVE 10. Identifiers: Orphanet 140922, MedGen C1837342, MONDO:0012127, OMIM 608807.
Early-onset myopathy with fatal cardiomyopathy (CMYO5). Also called: CONGENITAL MYOPATHY 5 WITH CARDIOMYOPATHY; Salih Myopathy. Identifiers: Orphanet 289377, MedGen C2673677, MONDO:0012714, OMIM 611705. Disease mechanism: loss of function.
Myopathy, myofibrillar, 9, with early respiratory failure (MFM9). Also called: EDSTROM MYOPATHY; MYOPATHY, PROXIMAL, WITH EARLY RESPIRATORY MUSCLE INVOLVEMENT; Hereditary myopathy with early respiratory failure; Myopathy, distal, with early respiratory failure, autosomal dominant. Identifiers: Orphanet 178464, Orphanet 34521, MedGen C1863599, MONDO:0011362, OMIM 603689.
Tibial muscular dystrophy (TMD). Also called: Udd Distal Myopathy – Tibial Muscular Dystrophy; Tibial muscular dystrophy, tardive; UDD MYOPATHY. Identifiers: Orphanet 609, MedGen C1838244, MONDO:0010870, OMIM 600334.

Allele frequency attached by ClinVar (database versions not stated): gnomAD below 0.00001 and 0.00008; TOPMed 0.00001; 1000 Genomes Project 30x 0.00078; 1000 Genomes Project 0.00080.
gnomAD v4.1: 176 of 1,606,892 alleles (0.011%); highest among the groups gnomAD compares: South Asian, 0.17%; no homozygotes.

Submissions (9):

CeGaT Center for Human Genetics Tuebingen
Classification: Likely benign. Last evaluated: 2026-05-01. Review status: criteria provided, single submitter. Criteria: CeGaT Center For Human Genetics Tuebingen Variant Classification Criteria Version 2. Collection method: clinical testing. Allele origin: germline. Affected: yes. Observed: 1 variant allele.
Comment: TTN: BP4, BP7

Labcorp Genetics (formerly Invitae), Labcorp
Classification: Benign for Dilated cardiomyopathy 1G; Autosomal recessive limb-girdle muscular dystrophy type 2J. Last evaluated: 2025-12-08. Review status: criteria provided, single submitter. Criteria: Invitae Variant Classification Sherloc (09022015). Collection method: clinical testing. Allele origin: germline.

Ambry Genetics
Classification: Likely benign for Cardiovascular phenotype. Last evaluated: 2022-09-02. Review status: criteria provided, single submitter. Criteria: Ambry Variant Classification Scheme 2023. Collection method: clinical testing. Allele origin: germline.

Genome-Nilou Lab
Classification: Benign for Autosomal recessive limb-girdle muscular dystrophy type 2J. Last evaluated: 2021-09-10. Review status: criteria provided, single submitter. Criteria: ACMG Guidelines, 2015. Collection method: clinical testing. Allele origin: germline. Affected: no.

Genome-Nilou Lab
Classification: Benign for Myopathy, myofibrillar, 9, with early respiratory failure. Last evaluated: 2021-09-10. Review status: criteria provided, single submitter. Criteria: ACMG Guidelines, 2015. Collection method: clinical testing. Allele origin: germline. Affected: no.

Genome-Nilou Lab
Classification: Benign for Early-onset myopathy with fatal cardiomyopathy. Last evaluated: 2021-09-10. Review status: criteria provided, single submitter. Criteria: ACMG Guidelines, 2015. Collection method: clinical testing. Allele origin: germline. Affected: no.

Genome-Nilou Lab
Classification: Benign for Tibial muscular dystrophy. Last evaluated: 2021-09-10. Review status: criteria provided, single submitter. Criteria: ACMG Guidelines, 2015. Collection method: clinical testing. Allele origin: germline. Affected: no.

GeneDx
Classification: Likely benign. Last evaluated: 2020-02-20. Review status: criteria provided, single submitter. Criteria: GeneDx Variant Classification Process June 2021. Collection method: clinical testing. Allele origin: germline. Affected: yes.

Laboratory for Molecular Medicine, Mass General Brigham Personalized Medicine
Classification: Likely benign. Last evaluated: 2013-12-26. Review status: criteria provided, single submitter. Criteria: LMM Criteria. Collection method: clinical testing. Allele origin: germline. Observed: 1 variant allele.
Comment: Val30702Val in exon 304 of TTN: This variant is not expected to have clinical si gnificance because it does not alter an amino acid residue and is not located wi thin the splice consensus sequence. Val30702Val in exon 304 of TTN (allele freq uency = n/a)

NM_001267550.2(TTN):c.99810C>T (p.Val33270=)

Genes: TTN-AS1 (TTN antisense RNA 1; plus strand), TTN (titin; minus strand), LOC126806420 (BRD4-independent group 4 enhancer GRCh37_chr2:179401104-179402303; plus strand). Cytogenetic location: 2q31.2.
Variant type: single nucleotide variant.
Coding change: c.99810C>T on transcript NM_001267550.2 (MANE Select); coding-DNA position 99810, C replaced by T.
Protein change: p.Val33270=; no amino-acid change (valine 33270 retained).
Molecular consequence: synonymous variant. On other transcripts: non-coding transcript variant (1).
Genome position (GRCh38, 1-based): chr2:178,537,397, G>A on the plus strand (C>T on the coding strand, the complement: TTN is on the minus strand). VCF-style: chr2-178537397-G-A. GRCh37 (hg19) VCF-style: chr2-179402124-G-A.
Other names: c.72615C>T, p.Val24205= (NM_003319.4); c.72990C>T, p.Val24330= (NM_133432.3); c.73191C>T, p.Val24397= (NM_133437.4); c.94887C>T, p.Val31629= (NM_001256850.1); c.92106C>T, p.Val30702= (NM_133378.4).
Identifiers: ClinVar variation 179463 (VCV000179463.22), dbSNP rs564536939, ClinGen allele CA184470.
Genomic context (GRCh38, chr2:178,537,397, plus strand): 5'-AATACCTTGTATTTCCACATCAAGGATGGCATCAACTGTTCCAAAAACATTGCTGAGCTG[G>A]ACTTTGTATTTCCCAGCATGAGTCTTACGTTGGACATTCTTCATGACAAGATGAGTATAG-3'
Protein context (NP_001254479.2, residues 33260-33280): QRKTHAGKYK[Val33270=]QLSNVFGTVD